The following is an entry in ClinVar:

ClinVar aggregate classification (germline): Conflicting classifications of pathogenicity. Review status: criteria provided, conflicting classifications (1 of 4 stars). 9 submissions from 7 submitters: Uncertain significance (8); Likely benign (1). Last evaluated 2026-02-24.

Conditions:
MYO7A-related disorder. Also called: MYO7A-related disorders.
Inborn genetic diseases. Identifiers: MedGen C0950123, MeSH D030342.
Usher syndrome type 1 (USH1). Also called: RETINITIS PIGMENTOSA AND CONGENITAL DEAFNESS. Identifiers: Orphanet 231169, Orphanet 886, MedGen C1568247, MONDO:0010168, OMIM 276900.
Autosomal dominant nonsyndromic hearing loss 11. Identifiers: Orphanet 90635, MedGen C1832475, MONDO:0011032, OMIM 601317.
Autosomal recessive nonsyndromic hearing loss 2. Also called: DEAFNESS, AUTOSOMAL RECESSIVE 2; NEUROSENSORY NONSYNDROMIC RECESSIVE DEAFNESS 2. Identifiers: Orphanet 90636, MedGen C1838701, MONDO:0010807, OMIM 600060.

Allele frequency attached by ClinVar (database versions not stated): gnomAD exomes 0.00013 and 0.00033; TOPMed 0.00015; ESP Exome Variant Server 0.00016; gnomAD 0.00018 and 0.00019; ExAC 0.00031.
gnomAD v4.1: 486 of 1,580,772 alleles (0.031%); highest among the groups gnomAD compares: Non-Finnish European, 0.04%; no homozygotes.

Submissions (9):

PreventionGenetics, part of Exact Sciences
Classification: Uncertain significance for MYO7A-related condition. Last evaluated: 2026-02-24. Review status: criteria provided, single submitter. Criteria: ACMG Guidelines, 2015. Collection method: clinical testing. Allele origin: germline.
Comment: The MYO7A c.1126A>G variant is predicted to result in the amino acid substitution p.Ile376Val. To our knowledge, this variant has not been reported in the literature. This variant is reported in 0.025% of alleles in individuals of European (Non-Finnish) descent in gnomAD. At this time, the clinical significance of this variant is uncertain due to the absence of conclusive functional and genetic evidence.

Labcorp Genetics (formerly Invitae), Labcorp
Classification: Likely benign. Last evaluated: 2026-01-28. Review status: criteria provided, single submitter. Criteria: Invitae Variant Classification Sherloc (09022015). Collection method: clinical testing. Allele origin: germline.

GeneDx
Classification: Uncertain significance. Last evaluated: 2025-04-22. Review status: criteria provided, single submitter. Criteria: GeneDx Variant Classification Process June 2021. Collection method: clinical testing. Allele origin: germline. Affected: yes.
Comment: In silico analysis indicates that this missense variant does not alter protein structure/function; Has not been previously published as pathogenic or benign to our knowledge

Blueprint Genetics
Classification: Uncertain significance. Last evaluated: 2024-08-09. Review status: criteria provided, single submitter. Criteria: ACMG Guidelines, 2015. Collection method: clinical testing. Allele origin: germline.

Ambry Genetics
Classification: Uncertain significance for Inborn genetic diseases. Last evaluated: 2021-09-16. Review status: criteria provided, single submitter. Criteria: Ambry Variant Classification Scheme 2023. Collection method: clinical testing. Allele origin: germline.

Illumina Laboratory Services, Illumina
Classification: Uncertain significance for Autosomal dominant nonsyndromic hearing loss 11. Last evaluated: 2018-01-12. Review status: criteria provided, single submitter. Criteria: ICSL Variant Classification Criteria 13 December 2019. Collection method: clinical testing. Allele origin: germline.

Illumina Laboratory Services, Illumina
Classification: Uncertain significance for Usher syndrome type 1. Last evaluated: 2018-01-12. Review status: criteria provided, single submitter. Criteria: ICSL Variant Classification Criteria 13 December 2019. Collection method: clinical testing. Allele origin: germline.

Illumina Laboratory Services, Illumina
Classification: Uncertain significance for Autosomal recessive nonsyndromic hearing loss 2. Last evaluated: 2018-01-12. Review status: criteria provided, single submitter. Criteria: ICSL Variant Classification Criteria 13 December 2019. Collection method: clinical testing. Allele origin: germline.

Laboratory for Molecular Medicine, Mass General Brigham Personalized Medicine
Classification: Uncertain significance. Last evaluated: 2016-08-16. Review status: criteria provided, single submitter. Criteria: LMM Criteria. Collection method: clinical testing. Allele origin: germline. Observed: 3 variant alleles.
Comment: Variant classified as Uncertain Significance - Favor Benign. The p.Ile376Val var iant in MYO7A has now been identified by our laboratory in 3 individuals with he aring loss, including two with alternate genetic etiologies. This variant has al so been identified in 8/14490 European chromosomes by the Exome Aggregation Cons ortium (ExAC; dbSNP rs368716988); however, its f requency is not high enough to rule out a pathogenic role. Computational predict ion tools and conservation analyses suggest that this variant may not impact the protein, though this information is not predictive enough to rule out pathogeni city. In summary, while the clinical significance of the p.Ile376Val variant is uncertain, available data suggest that it is more likely to be benign.

NM_000260.4(MYO7A):c.1126A>G (p.Ile376Val)

Gene: MYO7A (myosin VIIA; plus strand). Cytogenetic location: 11q13.5.
Variant type: single nucleotide variant.
Coding change: c.1126A>G on transcript NM_000260.4 (MANE Select); coding-DNA position 1126, A replaced by G.
Protein change: p.Ile376Val; replaces isoleucine 376 with valine.
Molecular consequence: missense variant.
Genome position (GRCh38, 1-based): chr11:77,160,208, A>G. VCF-style: chr11-77160208-A-G. GRCh37 (hg19) VCF-style: chr11-76871254-A-G.
Other names: c.1126A>G, p.Ile376Val (NM_001127180.2); c.1093A>G, p.Ile365Val (NM_001369365.1); short protein forms I376V, I365V.
Identifiers: ClinVar variation 178478 (VCV000178478.24), dbSNP rs368716988, ClinGen allele CA182408.
Genomic context (GRCh38, chr11:77,160,208, plus strand): 5'-TGTTGCCTGTACCAGGTGAACCCCCCAGACCTGATGAGCTGCCTGACTAGCCGCACCCTC[A>G]TCACCCGCGGGGAGACGGTGTCCACCCCACTGAGCAGGGAACAGGCACTGGACGTGCGCG-3'
Protein context (NP_000251.3, residues 366-386): LMSCLTSRTL[Ile376Val]TRGETVSTPL